The following is an entry in ClinVar:

NM_025215.6(PUS1):c.1197C>T (p.Phe399=)

Gene: PUS1 (pseudouridine synthase 1; plus strand). Cytogenetic location: 12q24.33.
Variant type: single nucleotide variant.
Coding change: c.1197C>T on transcript NM_025215.6 (MANE Select); coding-DNA position 1197, C replaced by T.
Protein change: p.Phe399=; no amino-acid change (phenylalanine 399 retained).
Molecular consequence: synonymous variant.
Genome position (GRCh38, 1-based): chr12:131,941,944, C>T. VCF-style: chr12-131941944-C-T. GRCh37 (hg19) VCF-style: chr12-132426489-C-T.
Other names: p.F399F:TTC>TTT; c.1113C>T, p.Phe371= (NM_001002019.3, NM_001002020.3).
Identifiers: ClinVar variation 138854 (VCV000138854.46), dbSNP rs35461276, ClinGen allele CA292995.
Genomic context (GRCh38, chr12:131,941,944, plus strand): 5'-CACCGAGCGGGACGAACGCTCCATGGCCCAGTGGCTGAGCACCTTGCCCATCCACAACTT[C>T]AGTGCCACCGCTCTCACGGCAGGTGGCACGGGCGCCAAGGTAGGGGCACAGTCCCAGCAG-3'
Protein context (NP_079491.2, residues 389-409): QWLSTLPIHN[Phe399=]SATALTAGGT

ClinVar aggregate classification (germline): Benign/Likely benign. Review status: criteria provided, multiple submitters, no conflicts (2 of 4 stars). 8 submissions from 8 submitters: Benign (2); Likely benign (4). 2 of the submissions do not count toward it. Last evaluated 2026-09-01.

Conditions:
PUS1-related disorder. Also called: PUS1-related condition.
Sideroblastic anemia. Also called: Sideroblastic anaemia. Identifiers: Orphanet 1047, MedGen C0002896, MONDO:0015194, HP:0001924.
Inborn mitochondrial myopathy. Also called: Mitochondrial myopathy; Mitochondrial Myopathies. Identifiers: Orphanet 206966, MedGen C0162670, MONDO:0009637, HP:0003737.
Myopathy, lactic acidosis, and sideroblastic anemia 1 (MLASA1). Identifiers: Orphanet 2598, MedGen C4551958, MONDO:0024553, OMIM 600462.

Allele frequency attached by ClinVar (database versions not stated): 1000 Genomes Project 30x 0.00016; 1000 Genomes Project 0.00020; ESP Exome Variant Server 0.00170; TOPMed 0.00177; gnomAD 0.00186 and 0.00193; gnomAD exomes 0.00233 and 0.00284; ExAC 0.00260.

Submissions (8):

CeGaT Center for Human Genetics Tuebingen
Classification: Likely benign. Last evaluated: 2026-09-01. Review status: criteria provided, single submitter. Criteria: CeGaT Center For Human Genetics Tuebingen Variant Classification Criteria Version 2. Collection method: clinical testing. Allele origin: germline. Affected: yes. Observed: 15 variant alleles.
Comment: PUS1: BP4, BS2

Labcorp Genetics (formerly Invitae), Labcorp
Classification: Benign. Last evaluated: 2026-01-26. Review status: criteria provided, single submitter. Criteria: Invitae Variant Classification Sherloc (09022015). Collection method: clinical testing. Allele origin: germline.

Blueprint Genetics
Classification: Likely benign. Last evaluated: 2024-11-19. Review status: criteria provided, single submitter. Criteria: ACMG Guidelines, 2015. Collection method: clinical testing. Allele origin: germline.

Illumina Laboratory Services, Illumina
Classification: Likely benign for Myopathy, lactic acidosis, and sideroblastic anemia 1. Last evaluated: 2018-01-13. Review status: criteria provided, single submitter. Criteria: ICSL Variant Classification Criteria 13 December 2019. Collection method: clinical testing. Allele origin: germline.
Comment: This variant was observed in the ICSL laboratory as part of a predisposition screen in an ostensibly healthy population. It had not been previously curated by ICSL or reported in the Human Gene Mutation Database (HGMD: prior to June 1st, 2018), and was therefore a candidate for classification through an automated scoring system. Utilizing variant allele frequency, disease prevalence and penetrance estimates, and inheritance mode, an automated score was calculated to assess if this variant is too frequent to cause the disease. Based on the score and internal cut-off values, a variant classified as likely benign is not then subjected to further curation. The score for this variant resulted in a classification of likely benign for this disease.

GeneDx
Classification: Benign. Last evaluated: 2014-04-02. Review status: criteria provided, single submitter. Criteria: GeneDx Variant Classification (06012015). Collection method: clinical testing. Allele origin: germline. Affected: yes.
Comment: This variant is considered likely benign or benign based on one or more of the following criteria: it is a conservative change, it occurs at a poorly conserved position in the protein, it is predicted to be benign by multiple in silico algorithms, and/or has population frequency not consistent with disease.

Breakthrough Genomics
Classification: Likely benign. Review status: criteria provided, single submitter. Criteria: ACMG Guidelines, 2015. Collection method: not provided. Allele origin: germline. Inheritance: Autosomal recessive inheritance. Affected: yes.

Natera, Inc.
Classification: Benign for Mitochondrial myopathy; sideroblastic anemia. Last evaluated: 2020-09-16. Review status: no assertion criteria provided. Collection method: clinical testing. Allele origin: germline. Not counted in ClinVar's aggregate classification.

PreventionGenetics, part of Exact Sciences
Classification: Likely benign for PUS1-related condition. Last evaluated: 2020-03-20. Review status: no assertion criteria provided. Collection method: clinical testing. Allele origin: germline. Not counted in ClinVar's aggregate classification.
Comment: This variant is classified as likely benign based on ACMG/AMP sequence variant interpretation guidelines (Richards et al. 2015 PMID: 25741868, with internal and published modifications).